The following is an entry in ClinVar:

ClinVar aggregate classification (germline): Uncertain significance (1 of 4 stars; one submission).

Conditions:
Intellectual disability. Also called: intellectual disabilities; Intellectual developmental disorder; Intellectual functioning disability. Identifiers: MedGen C3714756, MeSH D008607, MONDO:0001071, HP:0001249.

Submission:

Labcorp Genetics (formerly Invitae), Labcorp
Classification: Uncertain significance for Intellectual disability. Last evaluated: 2018-09-13. Review status: criteria provided, single submitter. Criteria: Invitae Variant Classification Sherloc (09022015). Collection method: clinical testing. Allele origin: germline.
Comment: This sequence change replaces tyrosine with histidine at codon 391 of the GABRB2 protein (p.Tyr391His). The tyrosine residue is weakly conserved and there is a moderate physicochemical difference between tyrosine and histidine. This variant is not present in population databases (ExAC no frequency). This variant has not been reported in the literature in individuals with GABRB2-related disease. Algorithms developed to predict the effect of missense changes on protein structure and function (SIFT, PolyPhen-2, Align-GVGD) all suggest that this variant is likely to be tolerated, but these predictions have not been confirmed by published functional studies and their clinical significance is uncertain. In summary, the available evidence is currently insufficient to determine the role of this variant in disease. Therefore, it has been classified as a Variant of Uncertain Significance.

NM_001371727.1(GABRB2):c.1171T>C (p.Tyr391His)

Gene: GABRB2 (gamma-aminobutyric acid type A receptor subunit beta2; minus strand). Cytogenetic location: 5q34.
Variant type: single nucleotide variant.
Coding change: c.1171T>C on transcript NM_001371727.1 (MANE Select); coding-DNA position 1171, T replaced by C.
Protein change: p.Tyr391His; replaces tyrosine 391 with histidine.
Molecular consequence: missense variant. On other transcripts: intron variant (1).
Genome position (GRCh38, 1-based): chr5:161,326,388, A>G on the plus strand (T>C on the coding strand, the complement: GABRB2 is on the minus strand). VCF-style: chr5-161326388-A-G. GRCh37 (hg19) VCF-style: chr5-160753395-A-G.
Other names: c.1171T>C, p.Tyr391His (NM_021911.3); c.1077+4495T>C (NM_000813.3); short protein forms Y391H.
Identifiers: ClinVar variation 647113 (VCV000647113.9), dbSNP rs1580981280, ClinGen allele CA362174254.